The following is an entry in ClinVar:

ClinVar aggregate classification (germline): Benign (1 of 4 stars; one submission).

Conditions:
Dyskeratosis congenita. Identifiers: Orphanet 1775, MedGen C0265965, MONDO:0015780.

Allele frequency attached by ClinVar (database versions not stated): 1000 Genomes Project 30x 0.00687; 1000 Genomes Project 0.00759; TOPMed 0.01921; gnomAD 0.02185 and 0.02223.

Submission:

Illumina Laboratory Services, Illumina
Classification: Benign for Dyskeratosis congenita. Last evaluated: 2018-01-13. Review status: criteria provided, single submitter. Criteria: ICSL Variant Classification Criteria 13 December 2019. Collection method: clinical testing. Allele origin: germline.
Comment: This variant was observed in the ICSL laboratory as part of a predisposition screen in an ostensibly healthy population. It had not been previously curated by ICSL or reported in the Human Gene Mutation Database (HGMD: prior to June 1st, 2018), and was therefore a candidate for classification through an automated scoring system. Utilizing variant allele frequency, disease prevalence and penetrance estimates, and inheritance mode, an automated score was calculated to assess if this variant is too frequent to cause the disease. Based on the score and internal cut-off values, a variant classified as benign is not then subjected to further curation. The score for this variant resulted in a classification of benign for this disease.

NM_025099.6(CTC1):c.*1450G>A

Gene: CTC1 (CST telomere replication complex component 1; minus strand). Cytogenetic location: 17p13.1.
Variant type: single nucleotide variant.
Coding change: c.*1450G>A on transcript NM_025099.6 (MANE Select); 1450 bases downstream of the stop codon, G replaced by A.
Molecular consequence: 3 prime UTR variant. On other transcripts: non-coding transcript variant (1).
Genome position (GRCh38, 1-based): chr17:8,226,730, C>T on the plus strand (G>A on the coding strand, the complement: CTC1 is on the minus strand). VCF-style: chr17-8226730-C-T. GRCh37 (hg19) VCF-style: chr17-8130048-C-T.
Identifiers: ClinVar variation 888765 (VCV000888765.4), dbSNP rs3027250, ClinGen allele CA287527680.